The following is an entry in ClinVar:

NM_004656.4(BAP1):c.1831_1834del (p.Glu611fs)

Gene: BAP1 (BRCA1 associated deubiquitinase 1; minus strand). Cytogenetic location: 3p21.1.
Variant type: Microsatellite.
Coding change: c.1831_1834del on transcript NM_004656.4 (MANE Select); coding-DNA positions 1831 to 1834, 4 bases deleted (GAGA; older notation c.1831_1834delGAGA).
Protein change: p.Glu611fs; shifts the reading frame from glutamic acid 611.
Molecular consequence: frameshift variant.
Genome position (GRCh38, 1-based): chr3:52,403,194-52,403,197, TCTC deleted on the plus strand (GAGA on the coding strand, the reverse complement: BAP1 is on the minus strand); deleting any 4 consecutive bases within chr3:52,403,194-52,403,200 gives the same sequence; the c. name uses the placement nearest the transcript's 3' end. VCF-style (leftmost placement, unchanged base first): chr3-52403193-TTCTC-T. GRCh37 (hg19) VCF-style: chr3-52437209-TTCTC-T.
Other names: c.1831_1834delGAGA (NM_004656.2); short protein forms E611fs.
Identifiers: ClinVar variation 956155 (VCV000956155.8), dbSNP rs1705022971, ClinGen allele CA645529892.

ClinVar aggregate classification (germline): Pathogenic. Review status: criteria provided, multiple submitters, no conflicts (2 of 4 stars). 2 submissions from 2 submitters: Pathogenic (2). Last evaluated 2026-04-29.

Conditions:
Hereditary cancer-predisposing syndrome. Also called: Hereditary Cancer Syndrome; Neoplastic Syndromes, Hereditary; Tumor predisposition; Hereditary neoplastic syndrome. Identifiers: Orphanet 140162, MedGen C0027672, MeSH D009386, MONDO:0015356.
BAP1-related tumor predisposition syndrome (TPDS1). Also called: BAP1 tumor predisposition syndrome; Tumor susceptibility linked to germline BAP1 mutations; COMMON Syndrome; TUMOR PREDISPOSITION SYNDROME 1. Identifiers: Orphanet 289539, MedGen C3280492, MONDO:0013692, OMIM 614327.

Submissions (2):

Ambry Genetics
Classification: Pathogenic for Hereditary cancer-predisposing syndrome. Last evaluated: 2026-04-29. Review status: criteria provided, single submitter. Criteria: Ambry Variant Classification Scheme 2023. Collection method: clinical testing. Allele origin: germline.
Comment: The c.1831_1834delGAGA pathogenic mutation, located in coding exon 14 of the BAP1 gene, results from a deletion of 4 nucleotides at nucleotide positions 1831 to 1834, causing a translational frameshift with a predicted alternate stop codon (p.E611Rfs*5). This variant was reported in individual(s) with features consistent with BAP1-related tumor predisposition syndrome (Njauw CN et al. PLoS One, 2012 Apr;7:e35295). This variant is considered to be rare based on population cohorts in the Genome Aggregation Database (gnomAD). This alteration is expected to result in loss of function by premature protein truncation or nonsense-mediated mRNA decay. As such, this alteration is interpreted as a disease-causing mutation.

Labcorp Genetics (formerly Invitae), Labcorp
Classification: Pathogenic for BAP1-related tumor predisposition syndrome. Last evaluated: 2025-07-30. Review status: criteria provided, single submitter. Criteria: Invitae Variant Classification Sherloc (09022015). Collection method: clinical testing. Allele origin: germline.
Comment: This sequence change creates a premature translational stop signal (p.Glu611Argfs*5) in the BAP1 gene. It is expected to result in an absent or disrupted protein product. Loss-of-function variants in BAP1 are known to be pathogenic (PMID: 21874000, 23684012). This variant is not present in population databases (gnomAD no frequency). This premature translational stop signal has been observed in individual(s) with ocular melanoma (PMID: 22545102). ClinVar contains an entry for this variant (Variation ID: 956155). For these reasons, this variant has been classified as Pathogenic.

Literature cited by the submitters: PubMed 22545102 (cited by Ambry Genetics and Labcorp Genetics (formerly Invitae), Labcorp); PubMed 21874000 (cited by Labcorp Genetics (formerly Invitae), Labcorp); PubMed 23684012 (cited by Labcorp Genetics (formerly Invitae), Labcorp).